The following is an entry in ClinVar:

NM_000132.4(F8):c.100G>A (p.Asp34Asn)

Gene: F8 (coagulation factor VIII; minus strand). Cytogenetic location: Xq28.
Variant type: single nucleotide variant.
Coding change: c.100G>A on transcript NM_000132.4 (MANE Select); coding-DNA position 100, G replaced by A.
Protein change: p.Asp34Asn; replaces aspartic acid 34 with asparagine.
Molecular consequence: missense variant.
Genome position (GRCh38, 1-based): chrX:155,022,453, C>T on the plus strand (G>A on the coding strand, the complement: F8 is on the minus strand). VCF-style: chrX-155022453-C-T. GRCh37 (hg19) VCF-style: chrX-154250728-C-T.
Other names: short protein forms D34N.
Identifiers: ClinVar variation 4882455 (VCV004882455.2).

ClinVar aggregate classification (germline): Uncertain significance (1 of 4 stars; one submission).

Submission:

Dasa
Classification: Uncertain significance. Last evaluated: 2025-07-16. Review status: criteria provided, single submitter. Criteria: DASA Assertion Criteria. Collection method: clinical testing. Allele origin: germline.
Comment: NM_000132.4(F8):c.100G>A (p.Asp34Asn) is a missense variant that results in the substitution of aspartic acid with asparagine. This variant is absent from population databases. Computational prediction algorithms are consistent with a benign effect. The currently available literature and clinical evidence are not sufficient to establish a definitive association between this variant and the reported condition. Therefore, this variant is classified as a variant of uncertain significance.